The following is an entry in ClinVar:

NM_001034850.3(RETREG1):c.320+2T>G

Genes: RETREG1 (reticulophagy regulator 1; minus strand), RETREG1-AS1 (RETREG1 antisense RNA 1; plus strand). Cytogenetic location: 5p15.1.
Variant type: single nucleotide variant.
Coding change: c.320+2T>G on transcript NM_001034850.3 (MANE Select); the canonical splice donor site of the intron after coding-DNA position 320, T replaced by G.
Molecular consequence: splice donor variant.
Genome position (GRCh38, 1-based): chr5:16,616,650, A>C on the plus strand (T>G on the coding strand, the complement: RETREG1 is on the minus strand). VCF-style: chr5-16616650-A-C. GRCh37 (hg19) VCF-style: chr5-16616759-A-C.
Identifiers: ClinVar variation 1514332 (VCV001514332.8), dbSNP rs2126387372, ClinGen allele CA359292556.

ClinVar aggregate classification (germline): Likely pathogenic (1 of 4 stars; one submission).

Allele frequency attached by ClinVar (database versions not stated): gnomAD exomes below 0.00001.
gnomAD v4.1: 4 of 1,592,166 alleles (0.00025%); highest among the groups gnomAD compares: Non-Finnish European, 0.00034%; no homozygotes.

Submission:

Labcorp Genetics (formerly Invitae), Labcorp
Classification: Likely pathogenic. Last evaluated: 2020-11-13. Review status: criteria provided, single submitter. Criteria: Invitae Variant Classification Sherloc (09022015). Collection method: clinical testing. Allele origin: germline.
Comment: This sequence change affects a donor splice site in intron 1 of the RETREG1 gene. It is expected to disrupt RNA splicing. Variants that disrupt the donor or acceptor splice site typically lead to a loss of protein function (PMID: 16199547), and loss-of-function variants in RETREG1 are known to be pathogenic (PMID: 19838196). This variant is not present in population databases (ExAC no frequency). This variant has not been reported in the literature in individuals with RETREG1-related conditions. Algorithms developed to predict the effect of sequence changes on RNA splicing suggest that this variant may disrupt the consensus splice site, but this prediction has not been confirmed by published transcriptional studies. In summary, the currently available evidence indicates that the variant is pathogenic, but additional data are needed to prove that conclusively. Therefore, this variant has been classified as Likely Pathogenic.

Literature cited by the submitters: PubMed 16199547; PubMed 19838196.